The following is an entry in ClinVar:

NM_152424.4(AMER1):c.788A>T (p.Glu263Val)

Gene: AMER1 (APC membrane recruitment protein 1; minus strand). Cytogenetic location: Xq11.2.
Variant type: single nucleotide variant.
Coding change: c.788A>T on transcript NM_152424.4 (MANE Select); coding-DNA position 788, A replaced by T.
Protein change: p.Glu263Val; replaces glutamic acid 263 with valine.
Molecular consequence: missense variant.
Genome position (GRCh38, 1-based): chrX:64,192,499, T>A on the plus strand (A>T on the coding strand, the complement: AMER1 is on the minus strand). VCF-style: chrX-64192499-T-A. GRCh37 (hg19) VCF-style: chrX-63412379-T-A.
Other names: short protein forms E263V.
Identifiers: ClinVar variation 3669710 (VCV003669710.2).
Genomic context (GRCh38, chrX:64,192,499, plus strand): 5'-TCCTCTAGGCTACTGGCTTCAGGGGCAGGCTTGGGTTGCACATGTGCTGAGGCACAGGCC[T>A]CCATGGGTTTTTCTGGATCTTTACAGGCCATTTTCTCAGTAGCTGGTGGAGAAGGTTCTG-3'
Protein context (NP_689637.3, residues 253-273): MACKDPEKPM[Glu263Val]ACASAHVQPK

ClinVar aggregate classification (germline): Uncertain significance (1 of 4 stars; one submission).

gnomAD v4.1: 3 of 1,203,321 alleles (0.00025%); highest among the groups gnomAD compares: African/African-American, 0.0035%; no homozygotes.

Submission:

Labcorp Genetics (formerly Invitae), Labcorp
Classification: Uncertain significance. Last evaluated: 2024-10-31. Review status: criteria provided, single submitter. Criteria: Invitae Variant Classification Sherloc (09022015). Collection method: clinical testing. Allele origin: germline.
Comment: This sequence change replaces glutamic acid, which is acidic and polar, with valine, which is neutral and non-polar, at codon 263 of the AMER1 protein (p.Glu263Val). This variant is present in population databases (rs749517394, gnomAD 0.008%), including at least one homozygous and/or hemizygous individual. This variant has not been reported in the literature in individuals affected with AMER1-related conditions. An algorithm developed to predict the effect of missense changes on protein structure and function (PolyPhen-2) suggests that this variant is likely to be tolerated. In summary, the available evidence is currently insufficient to determine the role of this variant in disease. Therefore, it has been classified as a Variant of Uncertain Significance.